The following is an entry in ClinVar:

ClinVar aggregate classification (germline): Uncertain significance (1 of 4 stars; one submission).

Conditions:
Hereditary cancer-predisposing syndrome. Also called: Tumor predisposition; Hereditary Cancer Syndrome; Neoplastic Syndromes, Hereditary; Hereditary neoplastic syndrome. Identifiers: Orphanet 140162, MedGen C0027672, MeSH D009386, MONDO:0015356.

Submission:

Ambry Genetics
Classification: Uncertain significance for Hereditary cancer-predisposing syndrome. Last evaluated: 2022-06-24. Review status: criteria provided, single submitter. Criteria: Ambry Variant Classification Scheme 2023. Collection method: clinical testing. Allele origin: germline.
Comment: The p.V858D variant (also known as c.2573T>A), located in coding exon 6 of the PALB2 gene, results from a T to A substitution at nucleotide position 2573. The valine at codon 858 is replaced by aspartic acid, an amino acid with highly dissimilar properties. This amino acid position is conserved. In addition, the in silico prediction for this alteration is inconclusive. Since supporting evidence is limited at this time, the clinical significance of this alteration remains unclear.

NM_024675.4(PALB2):c.2573T>A (p.Val858Asp)

Gene: PALB2 (partner and localizer of BRCA2; minus strand). Cytogenetic location: 16p12.2.
Variant type: single nucleotide variant.
Coding change: c.2573T>A on transcript NM_024675.4 (MANE Select); coding-DNA position 2573, T replaced by A.
Protein change: p.Val858Asp; replaces valine 858 with aspartic acid.
Molecular consequence: missense variant.
Genome position (GRCh38, 1-based): chr16:23,629,217, A>T on the plus strand (T>A on the coding strand, the complement: PALB2 is on the minus strand). VCF-style: chr16-23629217-A-T. GRCh37 (hg19) VCF-style: chr16-23640538-A-T.
Other names: c.2513T>A, p.Val838Asp (NM_001407296.1); c.2573T>A, p.Val858Asp (NM_001407298.1, NM_001407299.1, NM_001407300.1 and 2 more transcripts); c.1688T>A, p.Val563Asp (NM_001407304.1, NM_001407305.1, NM_001407306.1 and 5 more transcripts); c.785T>A, p.Val262Asp (NM_001407312.1, NM_001407313.1); c.107T>A, p.Val36Asp (NM_001407314.1); short protein forms V838D, V858D, V36D, V262D, V563D.
Identifiers: ClinVar variation 1793279 (VCV001793279.2), dbSNP rs2142367883, ClinGen allele CA395123689.
Genomic context (GRCh38, chr16:23,629,217, plus strand): 5'-TTTTCATATGTAAGACACGAGACACTGGAAGAGAATATTCTTCTGACCTTTAACTCTGAA[A>T]CCAATTGTAGGTTGCCTGGGTTTATGCTATCAGAAGCAGGAAGCTCTGCTGTTTCAGTCT-3'
Protein context (NP_078951.2, residues 848-868): DSINPGNLQL[Val858Asp]SELKNPSGSC